The following is an entry in ClinVar:

ClinVar aggregate classification (germline): Uncertain significance. Review status: criteria provided, multiple submitters, no conflicts (2 of 4 stars). 2 submissions from 2 submitters: Uncertain significance (2). Last evaluated 2024-08-07.

Allele frequency attached by ClinVar (database versions not stated): gnomAD 0.00001 and 0.00003; ExAC 0.00003; TOPMed 0.00004.
gnomAD v4.1: 50 of 1,613,954 alleles (0.0031%); highest among the groups gnomAD compares: Admixed American, 0.012%; 1 homozygote.

Submissions (2):

ARUP Laboratories, Molecular Genetics and Genomics, ARUP Laboratories
Classification: Uncertain significance. Last evaluated: 2024-08-07. Review status: criteria provided, single submitter. Criteria: ARUP Molecular Germline Variant Investigation Process 2024. Collection method: clinical testing. Allele origin: germline.
Comment: The TTN c.2429G>A; p.Arg810His variant (rs773966832; ClinVar Variation ID: 595799) is rare in the general population (<0.2% allele frequency in the Genome Aggregation Database) and has not been reported in the medical literature in association with dilated cardiomyopathy (DCM) or other TTN-related disease. The clinical relevance of rare missense variants in this gene, which are identified on average once per individual sequenced in affected populations (Herman 2012), is not well understood. Yet, evidence suggests that the vast majority of such missense variants do not contribute to the clinical outcome of DCM (Begay 2015). Thus, the clinical significance of the p.Arg810His variant cannot be determined with certainty. References: Begay RL et al. Role of Titin Missense Variants in Dilated Cardiomyopathy. J Am Heart Assoc. 2015 Nov 13;4(11). PMID: 26567375. Herman DS et al. Truncations of titin causing dilated cardiomyopathy. N Engl J Med. 2012 Feb 16;366(7):619-28. PMID: 22335739. Linke WA and Hamdani N. Gigantic business: titin properties and function through thick and thin. Circ Res 2014; 114(6): 1052-1068. PMID: 24625729.

Eurofins Ntd Llc (ga)
Classification: Uncertain significance. Last evaluated: 2018-01-22. Review status: criteria provided, single submitter. Criteria: EGL Classification Definitions 2015. Collection method: clinical testing. Allele origin: germline. Observed: 1 variant allele, 1 heterozygote.

NM_001267550.2(TTN):c.2429G>A (p.Arg810His)

Gene: TTN (titin; minus strand). Cytogenetic location: 2q31.2.
Variant type: single nucleotide variant.
Coding change: c.2429G>A on transcript NM_001267550.2 (MANE Select); coding-DNA position 2429, G replaced by A.
Protein change: p.Arg810His; replaces arginine 810 with histidine.
Molecular consequence: missense variant.
Genome position (GRCh38, 1-based): chr2:178,785,684, C>T on the plus strand (G>A on the coding strand, the complement: TTN is on the minus strand). VCF-style: chr2-178785684-C-T. GRCh37 (hg19) VCF-style: chr2-179650411-C-T.
Other names: c.2429G>A, p.Arg810His (NM_001256850.1, NM_133378.4, NM_133379.5); c.2291G>A, p.Arg764His (NM_003319.4, NM_133432.3, NM_133437.4); short protein forms R810H, R764H.
Identifiers: ClinVar variation 595799 (VCV000595799.6), dbSNP rs773966832, ClinGen allele CA2005827.